The following is an entry in ClinVar:

ClinVar aggregate classification (germline): Uncertain significance. Review status: criteria provided, multiple submitters, no conflicts (2 of 4 stars). 2 submissions from 2 submitters: Uncertain significance (2). Last evaluated 2026-07-01.

Conditions:
Familial thoracic aortic aneurysm and aortic dissection (TAAD). Also called: Thoracic aortic aneurysms and dissections. Identifiers: Orphanet 91387, MedGen C4707243, MONDO:0019625.
Aortic aneurysm, familial thoracic 4 (AAT4). Also called: AORTIC ANEURYSM/AORTIC DISSECTION AND PATENT DUCTUS ARTERIOSUS. Identifiers: MedGen C1851504, MONDO:0007568, OMIM 132900.

Allele frequency attached by ClinVar (database versions not stated): gnomAD exomes below 0.00001 and 0.00001; ExAC 0.00001.
gnomAD v4.1: 9 of 1,610,566 alleles (0.00056%); highest among the groups gnomAD compares: South Asian, 0.0011%; no homozygotes.

Submissions (2):

Ambry Genetics
Classification: Uncertain significance for Familial thoracic aortic aneurysm and aortic dissection. Last evaluated: 2026-07-01. Review status: criteria provided, single submitter. Criteria: Ambry Variant Classification Scheme 2023. Collection method: clinical testing. Allele origin: germline.
Comment: The p.M927T variant (also known as c.2780T>C), located in coding exon 21 of the MYH11 gene, results from a T to C substitution at nucleotide position 2780. The methionine at codon 927 is replaced by threonine, an amino acid with similar properties. This amino acid position is conserved. In addition, the in silico prediction for this alteration is inconclusive. Based on the available evidence, the clinical significance of this variant remains unclear.

Labcorp Genetics (formerly Invitae), Labcorp
Classification: Uncertain significance for Aortic aneurysm, familial thoracic 4. Last evaluated: 2021-08-28. Review status: criteria provided, single submitter. Criteria: Invitae Variant Classification Sherloc (09022015). Collection method: clinical testing. Allele origin: germline.
Comment: This sequence change replaces methionine with threonine at codon 934 of the MYH11 protein (p.Met934Thr). The methionine residue is highly conserved and there is a moderate physicochemical difference between methionine and threonine. This variant is present in population databases (rs781711607, ExAC 0.001%). This variant has not been reported in the literature in individuals affected with MYH11-related conditions. Algorithms developed to predict the effect of missense changes on protein structure and function (SIFT, PolyPhen-2, Align-GVGD) all suggest that this variant is likely to be disruptive. In summary, the available evidence is currently insufficient to determine the role of this variant in disease. Therefore, it has been classified as a Variant of Uncertain Significance.

NM_002474.3(MYH11):c.2780T>C (p.Met927Thr)

Gene: MYH11 (myosin heavy chain 11; minus strand). Cytogenetic location: 16p13.11.
Variant type: single nucleotide variant.
Coding change: c.2780T>C on transcript NM_002474.3 (MANE Select); coding-DNA position 2780, T replaced by C.
Protein change: p.Met927Thr; replaces methionine 927 with threonine.
Molecular consequence: missense variant.
Genome position (GRCh38, 1-based): chr16:15,741,542, A>G on the plus strand (T>C on the coding strand, the complement: MYH11 is on the minus strand). VCF-style: chr16-15741542-A-G. GRCh37 (hg19) VCF-style: chr16-15835399-A-G.
Other names: c.2801T>C, p.Met934Thr (NM_001040113.2, NM_001040114.2); c.2780T>C, p.Met927Thr (NM_022844.3); c.2780T>C (NM_002474.2); short protein forms M927T, M934T.
Identifiers: ClinVar variation 839775 (VCV000839775.8), dbSNP rs781711607, ClinGen allele CA7922173.